The following is an entry in ClinVar:

ClinVar aggregate classification (germline): Likely benign. Review status: criteria provided, multiple submitters, no conflicts (2 of 4 stars). 2 submissions from 2 submitters: Likely benign (2). Last evaluated 2024-11-17.

Conditions:
Charcot-Marie-Tooth disease recessive intermediate C. Also called: CHARCOT-MARIE-TOOTH NEUROPATHY, RECESSIVE INTERMEDIATE C. Identifiers: Orphanet 369867, MedGen C3809309, MONDO:0014154, OMIM 615376.
Neuronopathy, distal hereditary motor, autosomal recessive 4. Also called: NEUROPATHY, DISTAL HEREDITARY MOTOR, AUTOSOMAL RECESSIVE 4; Autosomal recessive lower motor neuron disease with childhood onset. Identifiers: Orphanet 206580, MedGen C1970211, MONDO:0012608, OMIM 611067.

Allele frequency attached by ClinVar (database versions not stated): gnomAD 0.00001; gnomAD exomes 0.00002; TOPMed 0.00002; ESP Exome Variant Server 0.00008; ExAC 0.00001.
gnomAD v4.1: 18 of 1,612,274 alleles (0.0011%); highest among the groups gnomAD compares: East Asian, 0.018%; no homozygotes.

Submissions (2):

Labcorp Genetics (formerly Invitae), Labcorp
Classification: Likely benign for Neuronopathy, distal hereditary motor, autosomal recessive 4; Charcot-Marie-Tooth disease recessive intermediate C. Last evaluated: 2024-11-17. Review status: criteria provided, single submitter. Criteria: Invitae Variant Classification Sherloc (09022015). Collection method: clinical testing. Allele origin: germline.

GeneDx
Classification: Likely benign. Last evaluated: 2016-11-23. Review status: criteria provided, single submitter. Criteria: GeneDx Variant Classification (06012015). Collection method: clinical testing. Allele origin: germline. Affected: yes.
Comment: This variant is considered likely benign or benign based on one or more of the following criteria: it is a conservative change, it occurs at a poorly conserved position in the protein, it is predicted to be benign by multiple in silico algorithms, and/or has population frequency not consistent with disease.

NM_020631.6(PLEKHG5):c.150-11C>A

Gene: PLEKHG5 (pleckstrin homology and RhoGEF domain containing G5; minus strand). Cytogenetic location: 1p36.31.
Variant type: single nucleotide variant.
Coding change: c.150-11C>A on transcript NM_020631.6 (MANE Select); 11 bases into the intron before coding-DNA position 150, C replaced by A.
Molecular consequence: intron variant.
Genome position (GRCh38, 1-based): chr1:6,475,533, G>T on the plus strand (C>A on the coding strand, the complement: PLEKHG5 is on the minus strand). VCF-style: chr1-6475533-G-T. GRCh37 (hg19) VCF-style: chr1-6535593-G-T.
Other names: c.150-11C>A (NM_198681.4, NM_001265594.3, NM_001042664.2 and 1 more transcripts); c.261-11C>A (NM_001042663.3, NM_001265592.2); c.357-11C>A (NM_001265593.2).
Identifiers: ClinVar variation 391180 (VCV000391180.4), dbSNP rs369136414, ClinGen allele CA561965.
Genomic context (GRCh38, chr1:6,475,533, plus strand): 5'-TCCTCCTTGCTTTCTTCTTGGAGAGTTTCAGGCCTGTGCTCTTCCGGTCCCTGCAGGGAA[G>T]CGAGGAGGGCAGAGGCTGGAGGTGTGGGTGGCCCTCGCCAGCGTGGGCGGCGAGTGGGCC-3'